The following is an entry in ClinVar:

NM_000492.4(CFTR):c.1021T>C (p.Ser341Pro)

Gene: CFTR (CF transmembrane conductance regulator; plus strand). Cytogenetic location: 7q31.2.
Variant type: single nucleotide variant.
Coding change: c.1021T>C on transcript NM_000492.4 (MANE Select); coding-DNA position 1021, T replaced by C.
Protein change: p.Ser341Pro; replaces serine 341 with proline.
Molecular consequence: missense variant.
Genome position (GRCh38, 1-based): chr7:117,540,251, T>C. VCF-style: chr7-117540251-T-C. GRCh37 (hg19) VCF-style: chr7-117180305-T-C.
Other names: short protein forms S341P.
Identifiers: ClinVar variation 53167 (VCV000053167.30), dbSNP rs397508144, ClinGen allele CA328077.

ClinVar aggregate classification (germline): Pathogenic. Review status: reviewed by expert panel (3 of 4 stars). 14 submissions from 13 submitters: Pathogenic (1). 13 of the submissions do not count toward it. Last evaluated 2017-03-17.

Conditions:
CFTR-related disorder (CFTR-RD). Also called: CFTR-related condition; CFTR-related disorders. Identifiers: MedGen C5924204, MONDO:7770004.
Congenital bilateral aplasia of vas deferens from CFTR mutation (CBAVD). Identifiers: Orphanet 48, MedGen C0403814, MONDO:0010178, OMIM 277180. Disease mechanism: loss of function.
Cystic fibrosis (CF). Also called: MUCOVISCIDOSIS. Identifiers: Orphanet 586, MedGen C0010674, MONDO:0009061, OMIM 219700. Disease mechanism: loss of function.
Hereditary pancreatitis (PCTT). Also called: PRSS1-Related Hereditary Pancreatitis; Hereditary chronic pancreatitis. Identifiers: Orphanet 676, MedGen C0238339, MONDO:0008185, OMIM 167800.
Bronchiectasis with or without elevated sweat chloride 1 (BESC1). Also called: Cystic Fibrosis-Like Syndrome. Identifiers: Orphanet 60033, MedGen C2749757, MONDO:0008887, OMIM 211400.

Allele frequency attached by ClinVar (database versions not stated): gnomAD exomes below 0.00001.
gnomAD v4.1: 1 of 1,614,106 alleles (0.000062%); highest among the groups gnomAD compares: Non-Finnish European, 0.000085%; no homozygotes.

Submissions (14):

CFTR2
Classification: Pathogenic for Cystic fibrosis. Last evaluated: 2017-03-17. Review status: reviewed by expert panel. Criteria: Sosnay PR et al. (Nat Genet 2013). Collection method: research. Allele origin: germline. Affected: yes. Study: CFTR2.

PreventionGenetics, part of Exact Sciences
Classification: Pathogenic for CFTR-related condition. Last evaluated: 2026-09-16. Review status: criteria provided, single submitter. Criteria: ACMG Guidelines, 2015. Collection method: clinical testing. Allele origin: germline. Not counted in ClinVar's aggregate classification.
Comment: The CFTR c.1021T>C variant is predicted to result in the amino acid substitution p.Ser341Pro. This variant has been reported to be causative for cystic fibrosis (see Supplementary Table 2 in Sosnay et al. 2013. PubMed ID: 23974870; Van Goor et al. 2014. PubMed ID: 23891399). This variant has not been reported in a large population database (gnomAD), indicating this variant is rare. This variant is interpreted as pathogenic by multiple laboratories in ClinVar (Variation ID: 53167﻿). Taken together, we interpret this variant as pathogenic.

Natera, Inc.
Classification: Pathogenic for CFTR-related disorders. Last evaluated: 2025-10-20. Review status: criteria provided, single submitter. Criteria: Natera Variant Classification Schema (03/2026). Collection method: clinical testing. Allele origin: germline. Not counted in ClinVar's aggregate classification.
Comment: The c.1021T>C variant in CFTR is a missense variant predicted to cause substitution of serine to proline at amino acid 341. This variant is rare in the general population with a frequency below the threshold expected for the associated phenotype(s). This variant has been observed in one or more individuals affected with the associated recessive disease, as either homozygous or compound heterozygous with a second variant (PMID: 37539852, 30291871, 32770779, 3296569, 30888834). Given the available evidence, this variant is classified as Pathogenic.

Labcorp Genetics (formerly Invitae), Labcorp
Classification: Pathogenic for Cystic fibrosis. Last evaluated: 2024-08-28. Review status: criteria provided, single submitter. Criteria: Invitae Variant Classification Sherloc (09022015). Collection method: clinical testing. Allele origin: germline. Not counted in ClinVar's aggregate classification.
Comment: This sequence change replaces serine, which is neutral and polar, with proline, which is neutral and non-polar, at codon 341 of the CFTR protein (p.Ser341Pro). This variant is not present in population databases (gnomAD no frequency). This missense change has been observed in individual(s) with clinical features of cystic fibrosis (PMID: 23974870; internal data). In at least one individual the data is consistent with being in trans (on the opposite chromosome) from a pathogenic variant. ClinVar contains an entry for this variant (Variation ID: 53167). Invitae Evidence Modeling of protein sequence and biophysical properties (such as structural, functional, and spatial information, amino acid conservation, physicochemical variation, residue mobility, and thermodynamic stability) indicates that this missense variant is expected to disrupt CFTR protein function with a positive predictive value of 80%. Experimental studies have shown that this missense change affects CFTR function (PMID: 23891399, 30046002). For these reasons, this variant has been classified as Pathogenic.

Fulgent Genetics
Classification: Pathogenic for Hereditary pancreatitis; Bronchiectasis with or without elevated sweat chloride 1; Cystic fibrosis; Congenital bilateral aplasia of vas deferens from CFTR mutation. Last evaluated: 2024-04-07. Review status: criteria provided, single submitter. Criteria: ACMG Guidelines, 2015. Collection method: clinical testing. Allele origin: germline. Not counted in ClinVar's aggregate classification.

Baylor Genetics
Classification: Pathogenic for Bronchiectasis with or without elevated sweat chloride 1. Last evaluated: 2023-09-07. Review status: criteria provided, single submitter. Criteria: ACMG Guidelines, 2015. Collection method: clinical testing. Allele origin: unknown. Not counted in ClinVar's aggregate classification.

Institute of Human Genetics, University of Leipzig Medical Center
Classification: Likely pathogenic for Cystic fibrosis. Last evaluated: 2022-09-05. Review status: criteria provided, single submitter. Criteria: ACMG Guidelines, 2015. Collection method: curation. Allele origin: unknown. Affected: yes. Observed: 1 variant allele. Not counted in ClinVar's aggregate classification.
Comment: The variant was classified in the context of a project re-classifying variants in the German Cystic Fibrosis Registry (Muko.e.V.). Criteria applied: PS3_SUP, PM3, PM2_SUP, PP3, PP4

Johns Hopkins Genomics, Johns Hopkins University
Classification: Pathogenic for Cystic fibrosis. Last evaluated: 2022-08-08. Review status: criteria provided, single submitter. Criteria: ACMG Guidelines, 2015. Collection method: clinical testing. Allele origin: germline. Not counted in ClinVar's aggregate classification.
Comment: Disease-causing CFTR variant. See CFTR2 for phenotypic information.

Revvity Omics, Revvity
Classification: Likely pathogenic. Last evaluated: 2022-07-22. Review status: criteria provided, single submitter. Criteria: ACMG Guidelines, 2015. Collection method: clinical testing. Allele origin: germline. Not counted in ClinVar's aggregate classification.

Women's Health and Genetics/Laboratory Corporation of America, LabCorp
Classification: Pathogenic for Cystic fibrosis. Last evaluated: 2022-03-22. Review status: criteria provided, single submitter. Criteria: LabCorp Variant Classification Summary - May 2015. Collection method: clinical testing. Allele origin: germline. Not counted in ClinVar's aggregate classification.
Comment: Variant summary: CFTR c.1021T>C (p.Ser341Pro) results in a non-conservative amino acid change in the encoded protein sequence. Five of five in-silico tools predict a damaging effect of the variant on protein function. The variant was absent in 251226 control chromosomes (gnomAD). c.1021T>C has been reported in the literature in multiple individuals affected with Cystic Fibrosis (e.g. Sosnay_2013, McCague_2019, CFTR2 database), including 2 homozygotes (Sickkids database). These data indicate that the variant is very likely to be associated with disease. Experimental evidence evaluating an impact on protein function has shown that chloride transport by the variant is less than 1% (e.g.Sosnay_2013, Van Goor_2013). Three ClinVar submitters including an expert panel (CFTR2) have assessed the variant since 2014: all have classified the variant as pathogenic. Based on the evidence outlined above, the variant was classified as pathogenic.

Mayo Clinic Laboratories, Mayo Clinic
Classification: Pathogenic. Last evaluated: 2021-12-20. Review status: criteria provided, single submitter. Criteria: ACMG Guidelines, 2015. Collection method: clinical testing. Allele origin: germline. Not counted in ClinVar's aggregate classification.
Comment: PP3, PM2, PM3_strong, PS3

Ambry Genetics
Classification: Pathogenic for Cystic fibrosis. Last evaluated: 2018-04-19. Review status: criteria provided, single submitter. Criteria: Ambry Variant Classification Scheme 2023. Collection method: clinical testing. Allele origin: germline. Not counted in ClinVar's aggregate classification.
Comment: The p.S341P pathogenic mutation (also known as c.1021T>C), located in coding exon 8 of the CFTR gene, results from a T to C substitution at nucleotide position 1021. The serine at codon 341 is replaced by proline, an amino acid with similar properties. In a cohort of individuals with cystic fibrosis, this mutation was identified in 377 individuals and is associated with elevated sweat chloride levels, and a higher rate of Pseudomonas infection (Sosnay PR et al. Nat. Genet., 2013 Oct;45:1160-7). In addition, analysis in FRT studies demonstrated reduced CFTR protein levels and undetectable chloride conductance (Van Goor F et al. J. Cyst. Fibros., 2014 Jan;13:29-36). Based on the supporting evidence, this alteration is interpreted as a disease-causing mutation.

Eurofins Ntd Llc (ga)
Classification: Pathogenic. Last evaluated: 2016-10-10. Review status: criteria provided, single submitter. Criteria: EGL Classification Definitions 2015. Collection method: clinical testing. Allele origin: germline. Observed: 1 variant allele, 1 heterozygote. Not counted in ClinVar's aggregate classification.

Baylor Genetics
Classification: Pathogenic for Congenital bilateral aplasia of vas deferens from CFTR mutation; Cystic fibrosis. Review status: criteria provided, single submitter. Criteria: ACMG Guidelines, 2015. Collection method: clinical testing. Allele origin: germline. Not counted in ClinVar's aggregate classification.

Literature cited by the submitters: PubMed 37539852 (cited by Natera, Inc.); PubMed 30291871 (cited by Natera, Inc.); PubMed 32770779 (cited by Natera, Inc.); PubMed 3296569 (cited by Natera, Inc.); PubMed 30888834 (cited by 3 submitters); PubMed 23974870 (cited by 5 submitters); PubMed 23891399 (cited by 5 submitters); PubMed 30046002 (cited by 3 submitters); PubMed 31036917 (cited by Mayo Clinic Laboratories, Mayo Clinic).